The following is an entry in ClinVar:

NM_000327.4(ROM1):c.629A>G (p.Asp210Gly)

Gene: ROM1 (retinal outer segment membrane protein 1; plus strand). Cytogenetic location: 11q12.3.
Variant type: single nucleotide variant.
Coding change: c.629A>G on transcript NM_000327.4 (MANE Select); coding-DNA position 629, A replaced by G.
Protein change: p.Asp210Gly; replaces aspartic acid 210 with glycine.
Molecular consequence: missense variant.
Genome position (GRCh38, 1-based): chr11:62,614,296, A>G. VCF-style: chr11-62614296-A-G. GRCh37 (hg19) VCF-style: chr11-62381768-A-G.
Other names: short protein forms D210G.
Identifiers: ClinVar variation 931269 (VCV000931269.3), dbSNP rs200287184, ClinGen allele CA380971517.

ClinVar aggregate classification (germline): Uncertain significance (1 of 4 stars; one submission).

Conditions:
Retinitis pigmentosa (RP). Identifiers: Orphanet 791, MedGen C0035334, MeSH D012174, MONDO:0019200, OMIM 268000. Inheritance: Autosomal dominant, autosomal recessive and X linked inheritance.

Submission:

Centre for Mendelian Genomics, University Medical Centre Ljubljana
Classification: Uncertain significance for Retinitis pigmentosa. Last evaluated: 2020-03-07. Review status: criteria provided, single submitter. Criteria: ACMG Guidelines, 2015. Collection method: clinical testing. Allele origin: unknown. Affected: yes.
Comment: This variant was classified as: Uncertain significance. The following ACMG criteria were applied in classifying this variant: PM2,PP3.